The following is an entry in ClinVar:

ClinVar aggregate classification (germline): Uncertain significance. Review status: criteria provided, multiple submitters, no conflicts (2 of 4 stars). 2 submissions from 2 submitters: Uncertain significance (2). Last evaluated 2025-12-06.

Submissions (2):

Labcorp Genetics (formerly Invitae), Labcorp
Classification: Uncertain significance. Last evaluated: 2025-12-06. Review status: criteria provided, single submitter. Criteria: Invitae Variant Classification Sherloc (09022015). Collection method: clinical testing. Allele origin: germline.
Comment: This sequence change replaces arginine, which is basic and polar, with glutamine, which is neutral and polar, at codon 495 of the BACH2 protein (p.Arg495Gln). The frequency data for this variant in the population databases is considered unreliable, as metrics indicate poor data quality at this position in the gnomAD database. This variant has not been reported in the literature in individuals affected with BACH2-related conditions. Invitae Evidence Modeling of protein sequence and biophysical properties (such as structural, functional, and spatial information, amino acid conservation, physicochemical variation, residue mobility, and thermodynamic stability) indicates that this missense variant is not expected to disrupt BACH2 protein function with a negative predictive value of 80%. In summary, the available evidence is currently insufficient to determine the role of this variant in disease. Therefore, it has been classified as a Variant of Uncertain Significance.

Blueprint Genetics
Classification: Uncertain significance. Last evaluated: 2023-08-18. Review status: criteria provided, single submitter. Criteria: ACMG Guidelines, 2015. Collection method: clinical testing. Allele origin: germline.

NM_021813.4(BACH2):c.1484G>A (p.Arg495Gln)

Gene: BACH2 (BACH transcriptional regulator 2; minus strand). Cytogenetic location: 6q15.
Variant type: single nucleotide variant.
Coding change: c.1484G>A on transcript NM_021813.4 (MANE Select); coding-DNA position 1484, G replaced by A.
Protein change: p.Arg495Gln; replaces arginine 495 with glutamine.
Molecular consequence: missense variant.
Genome position (GRCh38, 1-based): chr6:89,950,622, C>T on the plus strand (G>A on the coding strand, the complement: BACH2 is on the minus strand). VCF-style: chr6-89950622-C-T. GRCh37 (hg19) VCF-style: chr6-90660341-C-T.
Other names: c.1484G>A, p.Arg495Gln (NM_001170794.2); short protein forms R495Q.
Identifiers: ClinVar variation 4768619 (VCV004768619.2).